The following is an entry in ClinVar:

NM_001127208.3(TET2):c.1118A>C (p.Gln373Pro)

Genes: TET2 (tet methylcytosine dioxygenase 2; plus strand), TET2-AS1 (TET2 antisense RNA 1; minus strand). Cytogenetic location: 4q24.
Variant type: single nucleotide variant.
Coding change: c.1118A>C on transcript NM_001127208.3 (MANE Select); coding-DNA position 1118, A replaced by C.
Protein change: p.Gln373Pro; replaces glutamine 373 with proline.
Molecular consequence: missense variant.
Genome position (GRCh38, 1-based): chr4:105,235,060, A>C. VCF-style: chr4-105235060-A-C. GRCh37 (hg19) VCF-style: chr4-106156217-A-C.
Other names: c.1118A>C, p.Gln373Pro (NM_017628.4); short protein forms Q373P.
Identifiers: ClinVar variation 3967607 (VCV003967607.1).

ClinVar aggregate classification (germline): Uncertain significance (1 of 4 stars; one submission).

Submission:

Ambry Genetics
Classification: Uncertain significance. Last evaluated: 2025-05-02. Review status: criteria provided, single submitter. Criteria: Ambry Variant Classification Scheme 2023. Collection method: clinical testing. Allele origin: germline.
Comment: The p.Q373P variant (also known as c.1118A>C), located in coding exon 1 of the TET2 gene, results from an A to C substitution at nucleotide position 1118. The glutamine at codon 373 is replaced by proline, an amino acid with similar properties. This amino acid position is conserved. In addition, this alteration is predicted to be tolerated by in silico analysis. Based on the available evidence, the clinical significance of this variant remains unclear.